The following is an entry in ClinVar:

ClinVar aggregate classification (germline): Uncertain significance. Review status: criteria provided, multiple submitters, no conflicts (2 of 4 stars). 5 submissions from 5 submitters: Uncertain significance (5). Last evaluated 2025-12-16.

Conditions:
Brown-Vialetto-van Laere syndrome 2. Also called: SPINOCEREBELLAR ATAXIA WITH BLINDNESS AND DEAFNESS 2; Riboflavin transporter deficiency type 2. Identifiers: Orphanet 572543, Orphanet 97229, MedGen C3553538, MONDO:0013867, OMIM 614707.
Inborn genetic diseases. Identifiers: MedGen C0950123, MeSH D030342.

Allele frequency attached by ClinVar (database versions not stated): TOPMed 0.00003; ExAC 0.00006; gnomAD 0.00001 and 0.00002.

Submissions (5):

Ambry Genetics
Classification: Uncertain significance for Inborn genetic diseases. Last evaluated: 2025-12-16. Review status: criteria provided, single submitter. Criteria: Ambry Variant Classification Scheme 2023. Collection method: clinical testing. Allele origin: germline.

Labcorp Genetics (formerly Invitae), Labcorp
Classification: Uncertain significance for Brown-Vialetto-van Laere syndrome 2. Last evaluated: 2025-12-08. Review status: criteria provided, single submitter. Criteria: Invitae Variant Classification Sherloc (09022015). Collection method: clinical testing. Allele origin: germline.
Comment: This sequence change replaces threonine, which is neutral and polar, with serine, which is neutral and polar, at codon 5 of the SLC52A2 protein (p.Thr5Ser). This variant is present in population databases (rs781993535, gnomAD 0.02%). This variant has not been reported in the literature in individuals affected with SLC52A2-related conditions. ClinVar contains an entry for this variant (Variation ID: 653493). Invitae Evidence Modeling of protein sequence and biophysical properties (such as structural, functional, and spatial information, amino acid conservation, physicochemical variation, residue mobility, and thermodynamic stability) indicates that this missense variant is not expected to disrupt SLC52A2 protein function with a negative predictive value of 95%. In summary, the available evidence is currently insufficient to determine the role of this variant in disease. Therefore, it has been classified as a Variant of Uncertain Significance.

GeneDx
Classification: Uncertain significance. Last evaluated: 2025-11-03. Review status: criteria provided, single submitter. Criteria: GeneDx Variant Classification Process June 2021. Collection method: clinical testing. Allele origin: germline. Affected: yes.
Comment: In silico analysis suggests that this missense variant does not alter protein structure/function; Has not been previously published as pathogenic or benign to our knowledge

Blueprint Genetics
Classification: Uncertain significance. Last evaluated: 2024-11-26. Review status: criteria provided, single submitter. Criteria: ACMG Guidelines, 2015. Collection method: clinical testing. Allele origin: germline.

Mayo Clinic Laboratories, Mayo Clinic
Classification: Uncertain significance. Last evaluated: 2019-11-11. Review status: criteria provided, single submitter. Criteria: ACMG Guidelines, 2015. Collection method: clinical testing. Allele origin: germline. Observed: 1 variant allele.

NM_001363118.2(SLC52A2):c.13A>T (p.Thr5Ser)

Gene: SLC52A2 (solute carrier family 52 member 2; plus strand). Cytogenetic location: 8q24.3.
Variant type: single nucleotide variant.
Coding change: c.13A>T on transcript NM_001363118.2 (MANE Select); coding-DNA position 13, A replaced by T.
Protein change: p.Thr5Ser; replaces threonine 5 with serine.
Molecular consequence: missense variant. On other transcripts: non-coding transcript variant (1).
Genome position (GRCh38, 1-based): chr8:144,359,306, A>T. VCF-style: chr8-144359306-A-T. GRCh37 (hg19) VCF-style: chr8-145582966-A-T.
Other names: c.13A>T, p.Thr5Ser (NM_001253815.2, NM_001253816.2, NM_001363120.2 and 3 more transcripts); short protein forms T5S.
Identifiers: ClinVar variation 653493 (VCV000653493.19), dbSNP rs781993535, ClinGen allele CA4938067.